The following is an entry in ClinVar:

NC_000022.10:g.(?_21336661)_(21351637_?)del

Gene: LZTR1 (leucine zipper like post translational regulator 1; plus strand). Cytogenetic location: 22q11.21.
Variant type: Deletion.
Identifiers: ClinVar variation 1072827 (VCV001072827.1).

ClinVar aggregate classification (germline): Pathogenic (1 of 4 stars; one submission).

Submission:

Labcorp Genetics (formerly Invitae), Labcorp
Classification: Pathogenic. Last evaluated: 2020-07-27. Review status: criteria provided, single submitter. Criteria: Invitae Variant Classification Sherloc (09022015). Collection method: clinical testing. Allele origin: germline.
Comment: A gross deletion of the genomic region encompassing the full coding sequence of the LZTR1 gene has been identified. The boundaries of this event are unknown as the deletion extends beyond the assayed region for this gene and therefore may encompass additional genes. Isolated whole-gene deletions have not been reported in the literature in individuals with LZTR1-related conditions. Loss-of-function variants in LZTR1 are known to be pathogenic (PMID: 24362817, 25335493, 25480913, 29469822, 30442762, 30859559). For these reasons, this variant has been classified as Pathogenic.

Literature cited by the submitters: PubMed 24362817; PubMed 25335493; PubMed 25480913; PubMed 29469822; PubMed 30442762; PubMed 30859559.